The following is an entry in ClinVar:

NM_005120.3(MED12):c.4937G>A (p.Arg1646Gln)

Gene: MED12 (mediator complex subunit 12; plus strand). Cytogenetic location: Xq13.1.
Variant type: single nucleotide variant.
Coding change: c.4937G>A on transcript NM_005120.3 (MANE Select); coding-DNA position 4937, G replaced by A.
Protein change: p.Arg1646Gln; replaces arginine 1646 with glutamine.
Molecular consequence: missense variant.
Genome position (GRCh38, 1-based): chrX:71,135,165, G>A. VCF-style: chrX-71135165-G-A. GRCh37 (hg19) VCF-style: chrX-70355015-G-A.
Other names: short protein forms R1646Q.
Identifiers: ClinVar variation 969685 (VCV000969685.12), dbSNP rs2092328967, ClinGen allele CA413533077.

ClinVar aggregate classification (germline): Uncertain significance (1 of 4 stars; one submission).

Conditions:
FG syndrome (FGS). Identifiers: MedGen C0220769, MONDO:0002010.

Allele frequency attached by ClinVar (database versions not stated): gnomAD exomes below 0.00001.
gnomAD v4.1: 2 of 1,211,663 alleles (0.00017%); highest among the groups gnomAD compares: Non-Finnish European, 0.00022%; no homozygotes.

Submission:

Labcorp Genetics (formerly Invitae), Labcorp
Classification: Uncertain significance for FG syndrome. Last evaluated: 2025-01-27. Review status: criteria provided, single submitter. Criteria: Invitae Variant Classification Sherloc (09022015). Collection method: clinical testing. Allele origin: germline.
Comment: This sequence change replaces arginine, which is basic and polar, with glutamine, which is neutral and polar, at codon 1646 of the MED12 protein (p.Arg1646Gln). This variant is not present in population databases (gnomAD no frequency). This variant has not been reported in the literature in individuals affected with MED12-related conditions. ClinVar contains an entry for this variant (Variation ID: 969685). Invitae Evidence Modeling of protein sequence and biophysical properties (such as structural, functional, and spatial information, amino acid conservation, physicochemical variation, residue mobility, and thermodynamic stability) indicates that this missense variant is not expected to disrupt MED12 protein function with a negative predictive value of 95%. In summary, the available evidence is currently insufficient to determine the role of this variant in disease. Therefore, it has been classified as a Variant of Uncertain Significance.